The following is an entry in ClinVar:

ClinVar aggregate classification (germline): Uncertain significance (1 of 4 stars; one submission).

Allele frequency attached by ClinVar (database versions not stated): gnomAD exomes below 0.00001.
gnomAD v4.1: 5 of 1,611,990 alleles (0.00031%); highest among the groups gnomAD compares: Non-Finnish European, 0.00042%; no homozygotes.

Submission:

Labcorp Genetics (formerly Invitae), Labcorp
Classification: Uncertain significance. Last evaluated: 2022-02-11. Review status: criteria provided, single submitter. Criteria: Invitae Variant Classification Sherloc (09022015). Collection method: clinical testing. Allele origin: germline.
Comment: This sequence change replaces phenylalanine, which is neutral and non-polar, with isoleucine, which is neutral and non-polar, at codon 339 of the GUCY2C protein (p.Phe339Ile). This variant is not present in population databases (gnomAD no frequency). This variant has not been reported in the literature in individuals affected with GUCY2C-related conditions. Algorithms developed to predict the effect of missense changes on protein structure and function (SIFT, PolyPhen-2, Align-GVGD) all suggest that this variant is likely to be tolerated. In summary, the available evidence is currently insufficient to determine the role of this variant in disease. Therefore, it has been classified as a Variant of Uncertain Significance.

NM_004963.4(GUCY2C):c.1015T>A (p.Phe339Ile)

Genes: GUCY2C (guanylate cyclase 2C; minus strand), GUCY2C-AS1 (GUCY2C antisense RNA 1; plus strand). Cytogenetic location: 12p12.3.
Variant type: single nucleotide variant.
Coding change: c.1015T>A on transcript NM_004963.4 (MANE Select); coding-DNA position 1015, T replaced by A.
Protein change: p.Phe339Ile; replaces phenylalanine 339 with isoleucine.
Molecular consequence: missense variant.
Genome position (GRCh38, 1-based): chr12:14,674,694, A>T on the plus strand (T>A on the coding strand, the complement: GUCY2C is on the minus strand). VCF-style: chr12-14674694-A-T. GRCh37 (hg19) VCF-style: chr12-14827628-A-T.
Other names: short protein forms F339I.
Identifiers: ClinVar variation 1365738 (VCV001365738.6), dbSNP rs2137077229, ClinGen allele CA384001282.